The following is an entry in ClinVar:

NM_018975.4(TERF2IP):c.1015A>C (p.Asn339His)

Gene: TERF2IP (TERF2 interacting protein; plus strand). Cytogenetic location: 16q23.1.
Variant type: single nucleotide variant.
Coding change: c.1015A>C on transcript NM_018975.4 (MANE Select); coding-DNA position 1015, A replaced by C.
Protein change: p.Asn339His; replaces asparagine 339 with histidine.
Molecular consequence: missense variant. On other transcripts: non-coding transcript variant (1).
Genome position (GRCh38, 1-based): chr16:75,656,426, A>C. VCF-style: chr16-75656426-A-C. GRCh37 (hg19) VCF-style: chr16-75690324-A-C.
Other names: short protein forms N339H.
Identifiers: ClinVar variation 1741262 (VCV001741262.2), dbSNP rs2507089616, ClinGen allele CA396820083.
Genomic context (GRCh38, chr16:75,656,426, plus strand): 5'-CGGCAGTTAATGGAGAAGTTTAACTTGGATCTATCAACAGTTACACAGGCCTTCCTAAAA[A>C]ATAGTGGTGAGCTGGAGGCTACTTCCGCCTTCTTAGCGTCTGGTCAGAGAGCTGATGGAT-3'
Protein context (NP_061848.2, residues 329-349): LSTVTQAFLK[Asn339His]SGELEATSAF

ClinVar aggregate classification (germline): Uncertain significance (1 of 4 stars; one submission).

Submission:

Ambry Genetics
Classification: Uncertain significance. Last evaluated: 2024-02-03. Review status: criteria provided, single submitter. Criteria: Ambry Variant Classification Scheme 2023. Collection method: clinical testing. Allele origin: germline.
Comment: The p.N339H variant (also known as c.1015A>C), located in coding exon 3 of the TERF2IP gene, results from an A to C substitution at nucleotide position 1015. The asparagine at codon 339 is replaced by histidine, an amino acid with similar properties. This amino acid position is conserved. In addition, this alteration is predicted to be tolerated by in silico analysis. Since supporting evidence is limited at this time, the clinical significance of this alteration remains unclear.